The following is an entry in ClinVar:

NM_005529.7(HSPG2):c.1167C>T (p.Asp389=)

Gene: HSPG2 (heparan sulfate proteoglycan 2; minus strand). Cytogenetic location: 1p36.12.
Variant type: single nucleotide variant.
Coding change: c.1167C>T on transcript NM_005529.7 (MANE Select); coding-DNA position 1167, C replaced by T.
Protein change: p.Asp389=; no amino-acid change (aspartic acid 389 retained).
Molecular consequence: synonymous variant.
Genome position (GRCh38, 1-based): chr1:21,885,363, G>A on the plus strand (C>T on the coding strand, the complement: HSPG2 is on the minus strand). VCF-style: chr1-21885363-G-A. GRCh37 (hg19) VCF-style: chr1-22211856-G-A.
Other names: c.1167C>T, p.Asp389= (NM_001291860.2).
Identifiers: ClinVar variation 772678 (VCV000772678.59), dbSNP rs145101074, ClinGen allele CA673553.

ClinVar aggregate classification (germline): Benign/Likely benign. Review status: criteria provided, multiple submitters, no conflicts (2 of 4 stars). 11 submissions from 10 submitters: Benign (7); Likely benign (3). 1 of the submissions does not count toward it. Last evaluated 2026-09-01.

Conditions:
HSPG2-related disorder. Also called: HSPG2-related disorders; HSPG2-related condition.
Connective tissue disorder. Also called: Connective tissue disease. Identifiers: MedGen C0009782, MONDO:0003900.
Lethal Kniest-like syndrome (DDSH). Also called: Dyssegmental Dysplasia. Identifiers: Orphanet 1865, MedGen C1857100, MONDO:0009140, OMIM 224410.
Schwartz-Jampel syndrome type 1 (SJS1). Also called: MYOTONIC MYOPATHY, DWARFISM, CHONDRODYSTROPHY, AND OCULAR AND FACIAL ABNORMALITIES; CHONDRODYSTROPHIC MYOTONIA. Identifiers: MedGen C4551479, MONDO:0100435, OMIM 255800.
Schwartz-Jampel syndrome. Also called: Myotonic myopathy dwarfism chondrodystrophy and ocular and facial abnormalities. Identifiers: Orphanet 800, MedGen C0036391, MONDO:0009717.

Allele frequency attached by ClinVar (database versions not stated): 1000 Genomes Project 0.00479; 1000 Genomes Project 30x 0.00484; ExAC 0.00707; gnomAD exomes 0.00775 and 0.01183; gnomAD 0.00852 and 0.00897; ESP Exome Variant Server 0.00892; TOPMed 0.00901.

Submissions (11):

CeGaT Center for Human Genetics Tuebingen
Classification: Benign. Last evaluated: 2026-09-01. Review status: criteria provided, single submitter. Criteria: CeGaT Center For Human Genetics Tuebingen Variant Classification Criteria Version 2. Collection method: clinical testing. Allele origin: germline. Affected: yes. Observed: 15 variant alleles.
Comment: HSPG2: BP4, BP7, BS1, BS2

Labcorp Genetics (formerly Invitae), Labcorp
Classification: Benign. Last evaluated: 2026-01-30. Review status: criteria provided, single submitter. Criteria: Invitae Variant Classification Sherloc (09022015). Collection method: clinical testing. Allele origin: germline.

Athena Diagnostics
Classification: Benign. Last evaluated: 2023-12-04. Review status: criteria provided, single submitter. Criteria: Athena Diagnostics Criteria. Collection method: clinical testing. Allele origin: unknown.

ARUP Laboratories, Molecular Genetics and Genomics, ARUP Laboratories
Classification: Benign. Last evaluated: 2023-11-22. Review status: criteria provided, single submitter. Criteria: ARUP Molecular Germline Variant Investigation Process 2024. Collection method: clinical testing. Allele origin: germline.

Fulgent Genetics
Classification: Likely benign for Lethal Kniest-like syndrome; Schwartz-Jampel syndrome type 1. Last evaluated: 2021-08-09. Review status: criteria provided, single submitter. Criteria: ACMG Guidelines, 2015. Collection method: clinical testing. Allele origin: unknown.

GeneDx
Classification: Likely benign. Last evaluated: 2021-02-03. Review status: criteria provided, single submitter. Criteria: GeneDx Variant Classification Process June 2021. Collection method: clinical testing. Allele origin: germline. Affected: yes.

Genome Diagnostics Laboratory, The Hospital for Sick Children
Classification: Benign for Connective tissue disorder. Last evaluated: 2020-11-30. Review status: criteria provided, single submitter. Criteria: ACMG Guidelines, 2015. Collection method: clinical testing. Allele origin: germline.

Illumina Laboratory Services, Illumina
Classification: Benign for Schwartz-Jampel syndrome type 1. Last evaluated: 2018-01-13. Review status: criteria provided, single submitter. Criteria: ICSL Variant Classification Criteria 13 December 2019. Collection method: clinical testing. Allele origin: germline.
Comment: This variant was observed in the ICSL laboratory as part of a predisposition screen in an ostensibly healthy population. It had not been previously curated by ICSL or reported in the Human Gene Mutation Database (HGMD: prior to June 1st, 2018), and was therefore a candidate for classification through an automated scoring system. Utilizing variant allele frequency, disease prevalence and penetrance estimates, and inheritance mode, an automated score was calculated to assess if this variant is too frequent to cause the disease. Based on the score and internal cut-off values, a variant classified as benign is not then subjected to further curation. The score for this variant resulted in a classification of benign for this disease.

Illumina Laboratory Services, Illumina
Classification: Benign for Lethal Kniest-like syndrome. Last evaluated: 2018-01-13. Review status: criteria provided, single submitter. Criteria: ICSL Variant Classification Criteria 13 December 2019. Collection method: clinical testing. Allele origin: germline.
Comment: the same text as in the submission from Illumina Laboratory Services, Illumina above.

Breakthrough Genomics
Classification: Likely benign. Review status: criteria provided, single submitter. Criteria: ACMG Guidelines, 2015. Collection method: not provided. Allele origin: germline. Inheritance: Autosomal recessive inheritance. Affected: yes.

PreventionGenetics, part of Exact Sciences
Classification: Benign for HSPG2-related condition. Last evaluated: 2019-07-12. Review status: no assertion criteria provided. Collection method: clinical testing. Allele origin: germline. Not counted in ClinVar's aggregate classification.
Comment: This variant is classified as benign based on ACMG/AMP sequence variant interpretation guidelines (Richards et al. 2015 PMID: 25741868, with internal and published modifications).

Literature cited by the submitters: PubMed 37784196 (cited by Athena Diagnostics).